The following is an entry in ClinVar:

NM_020937.4(FANCM):c.1178C>T (p.Thr393Ile)

Gene: FANCM (FA complementation group M; plus strand). Cytogenetic location: 14q21.2.
Variant type: single nucleotide variant.
Coding change: c.1178C>T on transcript NM_020937.4 (MANE Select); coding-DNA position 1178, C replaced by T.
Protein change: p.Thr393Ile; replaces threonine 393 with isoleucine.
Molecular consequence: missense variant.
Genome position (GRCh38, 1-based): chr14:45,154,047, C>T. VCF-style: chr14-45154047-C-T. GRCh37 (hg19) VCF-style: chr14-45623250-C-T.
Other names: c.1100C>T, p.Thr367Ile (NM_001308133.2); c.1178C>T, p.Thr393Ile (NM_001308134.2); short protein forms T393I, T367I.
Identifiers: ClinVar variation 970529 (VCV000970529.10), dbSNP rs1029198668, ClinGen allele CA259615973.

ClinVar aggregate classification (germline): Uncertain significance (1 of 4 stars; one submission).

Conditions:
Fanconi anemia (FA). Also called: Fanconi's anemia. Identifiers: Orphanet 84, MedGen C0015625, MeSH D005199, MONDO:0019391.

Allele frequency attached by ClinVar (database versions not stated): gnomAD exomes below 0.00001; gnomAD 0.00001; TOPMed 0.00002.
gnomAD v4.1: 4 of 1,550,828 alleles (0.00026%); highest among the groups gnomAD compares: Non-Finnish European, 0.00036%; no homozygotes.

Submission:

Labcorp Genetics (formerly Invitae), Labcorp
Classification: Uncertain significance for Fanconi anemia. Last evaluated: 2022-02-13. Review status: criteria provided, single submitter. Criteria: Invitae Variant Classification Sherloc (09022015). Collection method: clinical testing. Allele origin: germline.
Comment: This variant has not been reported in the literature in individuals affected with FANCM-related conditions. In summary, the available evidence is currently insufficient to determine the role of this variant in disease. Therefore, it has been classified as a Variant of Uncertain Significance. Algorithms developed to predict the effect of missense changes on protein structure and function (SIFT, PolyPhen-2, Align-GVGD) all suggest that this variant is likely to be tolerated. ClinVar contains an entry for this variant (Variation ID: 970529). This variant is not present in population databases (gnomAD no frequency). This sequence change replaces threonine, which is neutral and polar, with isoleucine, which is neutral and non-polar, at codon 393 of the FANCM protein (p.Thr393Ile).